The following is an entry in ClinVar:

NM_001127208.3(TET2):c.55A>C (p.Ile19Leu)

Genes: TET2 (tet methylcytosine dioxygenase 2; plus strand), TET2-AS1 (TET2 antisense RNA 1; minus strand). Cytogenetic location: 4q24.
Variant type: single nucleotide variant.
Coding change: c.55A>C on transcript NM_001127208.3 (MANE Select); coding-DNA position 55, A replaced by C.
Protein change: p.Ile19Leu; replaces isoleucine 19 with leucine.
Molecular consequence: missense variant.
Genome position (GRCh38, 1-based): chr4:105,233,997, A>C. VCF-style: chr4-105233997-A-C. GRCh37 (hg19) VCF-style: chr4-106155154-A-C.
Other names: c.55A>C, p.Ile19Leu (NM_017628.4); short protein forms I19L.
Identifiers: ClinVar variation 3805891 (VCV003805891.1).

ClinVar aggregate classification (germline): Uncertain significance (1 of 4 stars; one submission).

gnomAD v4.1: 1 of 1,614,002 alleles (0.000062%); highest among the groups gnomAD compares: Non-Finnish European, 0.000085%; no homozygotes.

Submission:

Ambry Genetics
Classification: Uncertain significance. Last evaluated: 2024-12-22. Review status: criteria provided, single submitter. Criteria: Ambry Variant Classification Scheme 2023. Collection method: clinical testing. Allele origin: germline.
Comment: The p.I19L variant (also known as c.55A>C), located in coding exon 1 of the TET2 gene, results from an A to C substitution at nucleotide position 55. The isoleucine at codon 19 is replaced by leucine, an amino acid with highly similar properties. This amino acid position is conserved. In addition, this alteration is predicted to be tolerated by in silico analysis. Based on the available evidence, the clinical significance of this variant remains unclear.